The following is an entry in ClinVar:

ClinVar aggregate classification (germline): Uncertain significance (1 of 4 stars; one submission).

Conditions:
Mendelian susceptibility to mycobacterial diseases due to complete IL12RB1 deficiency. Also called: IL12RB1 DEFICIENCY; Immunodeficiency 30. Identifiers: Orphanet 319552, MedGen C4013949, MONDO:0013955, OMIM 614891.

Allele frequency attached by ClinVar (database versions not stated): gnomAD exomes below 0.00001; TOPMed 0.00001.
gnomAD v4.1: 4 of 1,613,382 alleles (0.00025%); highest among the groups gnomAD compares: East Asian, 0.0022%; no homozygotes.

Submission:

Labcorp Genetics (formerly Invitae), Labcorp
Classification: Uncertain significance for Mendelian susceptibility to mycobacterial diseases due to complete IL12RB1 deficiency. Last evaluated: 2019-07-23. Review status: criteria provided, single submitter. Criteria: Invitae Variant Classification Sherloc (09022015). Collection method: clinical testing. Allele origin: germline.
Comment: In summary, the available evidence is currently insufficient to determine the role of this variant in disease. Therefore, it has been classified as a Variant of Uncertain Significance. Algorithms developed to predict the effect of missense changes on protein structure and function are either unavailable or do not agree on the potential impact of this missense change (SIFT: "Deleterious"; PolyPhen-2: "Benign"; Align-GVGD: "Class C0"). This variant has not been reported in the literature in individuals with IL12RB1-related conditions. This variant is not present in population databases (ExAC no frequency). This sequence change replaces valine with methionine at codon 562 of the IL12RB1 protein (p.Val562Met). The valine residue is weakly conserved and there is a small physicochemical difference between valine and methionine.

NM_005535.3(IL12RB1):c.1684G>A (p.Val562Met)

Gene: IL12RB1 (interleukin 12 receptor subunit beta 1; minus strand). Cytogenetic location: 19p13.11.
Variant type: single nucleotide variant.
Coding change: c.1684G>A on transcript NM_005535.3 (MANE Select); coding-DNA position 1684, G replaced by A.
Protein change: p.Val562Met; replaces valine 562 with methionine.
Molecular consequence: missense variant.
Genome position (GRCh38, 1-based): chr19:18,062,212, C>T on the plus strand (G>A on the coding strand, the complement: IL12RB1 is on the minus strand). VCF-style: chr19-18062212-C-T. GRCh37 (hg19) VCF-style: chr19-18173022-C-T.
Other names: c.1684G>A, p.Val562Met (NM_001290023.2); c.1804G>A, p.Val602Met (NM_001290024.2); short protein forms V562M, V602M.
Identifiers: ClinVar variation 935111 (VCV000935111.9), dbSNP rs1405787120, ClinGen allele CA404775994.